The following is an entry in ClinVar:

ClinVar aggregate classification (germline): Uncertain significance (1 of 4 stars; one submission).

Conditions:
Autosomal dominant limb-girdle muscular dystrophy type 1F (LGMDD2). Also called: Limb-girdle muscular dystrophy, type 1F; MUSCULAR DYSTROPHY, LIMB-GIRDLE, AUTOSOMAL DOMINANT 2. Identifiers: Orphanet 55595, MedGen C1842062, MONDO:0012034, OMIM 608423.

Submission:

Labcorp Genetics (formerly Invitae), Labcorp
Classification: Uncertain significance for Autosomal dominant limb-girdle muscular dystrophy type 1F. Last evaluated: 2025-04-22. Review status: criteria provided, single submitter. Criteria: Invitae Variant Classification Sherloc (09022015). Collection method: clinical testing. Allele origin: germline.
Comment: This sequence change replaces alanine, which is neutral and non-polar, with proline, which is neutral and non-polar, at codon 756 of the TNPO3 protein (p.Ala756Pro). This variant is not present in population databases (gnomAD no frequency). This variant has not been reported in the literature in individuals affected with TNPO3-related conditions. Invitae Evidence Modeling of protein sequence and biophysical properties (such as structural, functional, and spatial information, amino acid conservation, physicochemical variation, residue mobility, and thermodynamic stability) indicates that this missense variant is not expected to disrupt TNPO3 protein function with a negative predictive value of 80%. In summary, the available evidence is currently insufficient to determine the role of this variant in disease. Therefore, it has been classified as a Variant of Uncertain Significance.

NM_012470.4(TNPO3):c.2266G>C (p.Ala756Pro)

Gene: TNPO3 (transportin 3; minus strand). Cytogenetic location: 7q32.1.
Variant type: single nucleotide variant.
Coding change: c.2266G>C on transcript NM_012470.4 (MANE Select); coding-DNA position 2266, G replaced by C.
Protein change: p.Ala756Pro; replaces alanine 756 with proline.
Molecular consequence: missense variant. On other transcripts: non-coding transcript variant (18).
Genome position (GRCh38, 1-based): chr7:128,974,875, C>G on the plus strand (G>C on the coding strand, the complement: TNPO3 is on the minus strand). VCF-style: chr7-128974875-C-G. GRCh37 (hg19) VCF-style: chr7-128614929-C-G.
Other names: c.2074G>C, p.Ala692Pro (NM_001191028.3, NM_001382223.1); c.2368G>C, p.Ala790Pro (NM_001382216.1); c.2347G>C, p.Ala783Pro (NM_001382217.1); c.2266G>C, p.Ala756Pro (NM_001382218.1); c.2158G>C, p.Ala720Pro (NM_001382219.1); c.2125G>C, p.Ala709Pro (NM_001382220.1); c.2122G>C, p.Ala708Pro (NM_001382221.1); c.2119G>C, p.Ala707Pro (NM_001382222.1); short protein forms A708P, A709P, A790P, A756P, A720P, A783P, A692P, A707P.
Identifiers: ClinVar variation 4742276 (VCV004742276.1).